The following is an entry in ClinVar:

NM_002691.4(POLD1):c.2155-8C>T

Gene: POLD1 (DNA polymerase delta 1, catalytic subunit; plus strand). Cytogenetic location: 19q13.33.
Variant type: single nucleotide variant.
Coding change: c.2155-8C>T on transcript NM_002691.4 (MANE Select); 8 bases into the intron before coding-DNA position 2155, C replaced by T.
Molecular consequence: intron variant.
Genome position (GRCh38, 1-based): chr19:50,413,418, C>T. VCF-style: chr19-50413418-C-T. GRCh37 (hg19) VCF-style: chr19-50916675-C-T.
Other names: c.2233-8C>T (LRG_785t2, NM_001308632.1); c.2155-8C>T (LRG_785t1, NM_001256849.1).
Identifiers: ClinVar variation 372071 (VCV000372071.17), dbSNP rs759802920, ClinGen allele CA9596430.
Genomic context (GRCh38, chr19:50,413,418, plus strand): 5'-CCCCGCCGGCCCACGTTCACTGCACATGGCCCCCAGGGCTTCACTCCGCATGATTCTCTC[C>T]CCGACAGAGCGTCACGGGGTTCGGACGTCAGATGATCGAGAAAACCAAGCAGCTGGTGGA-3'

ClinVar aggregate classification (germline): Likely benign. Review status: criteria provided, multiple submitters, no conflicts (2 of 4 stars). 6 submissions from 6 submitters: Likely benign (4). 2 of the submissions do not count toward it. Last evaluated 2026-02-03.

Conditions:
POLD1-related polyposis and colorectal cancer syndrome (CRCS10). Also called: Colorectal cancer, susceptibility to, 10; Colorectal cancer 10; COLORECTAL CANCER, SUSCEPTIBILITY TO, ON CHROMOSOME 19q. Identifiers: Orphanet 220460, MedGen C2675481, MONDO:0012953, OMIM 612591.
Polymerase proofreading-related adenomatous polyposis. Also called: Polymerase proofreading associated polyposis; Polymerase proofreading–associated polyposis (PPAP). Identifiers: Orphanet 447877, MedGen C5202613, MONDO:0018653.

Allele frequency attached by ClinVar (database versions not stated): gnomAD exomes 0.00001 and 0.00002; ExAC 0.00004; TOPMed 0.00012; gnomAD 0.00017 and 0.00019.
gnomAD v4.1: 43 of 1,611,582 alleles (0.0027%); highest among the groups gnomAD compares: African/African-American, 0.056%; no homozygotes.

Submissions (6):

Labcorp Genetics (formerly Invitae), Labcorp
Classification: Likely benign for POLD1-related polyposis and colorectal cancer syndrome. Last evaluated: 2026-02-03. Review status: criteria provided, single submitter. Criteria: Invitae Variant Classification Sherloc (09022015). Collection method: clinical testing. Allele origin: germline.

Women's Health and Genetics/Laboratory Corporation of America, LabCorp
Classification: Likely benign. Last evaluated: 2026-01-23. Review status: criteria provided, single submitter. Criteria: LabCorp Variant Classification Summary - May 2015. Collection method: clinical testing. Allele origin: germline.

GeneDx
Classification: Likely benign. Last evaluated: 2021-02-15. Review status: criteria provided, single submitter. Criteria: GeneDx Variant Classification Process June 2021. Collection method: clinical testing. Allele origin: germline. Affected: yes.

Quest Diagnostics Nichols Institute San Juan Capistrano
Classification: Likely benign. Last evaluated: 2017-01-16. Review status: criteria provided, single submitter. Criteria: Quest Diagnostics criteria. Collection method: clinical testing. Allele origin: germline.

Counsyl
Classification: Likely benign for POLD1-related polyposis and colorectal cancer syndrome. Last evaluated: 2016-11-10. Review status: no assertion criteria provided. Collection method: clinical testing. Allele origin: unknown. Not counted in ClinVar's aggregate classification.

Department of Pathology and Laboratory Medicine, Sinai Health System
Classification: Likely benign for Polymerase proofreading-related adenomatous polyposis. Review status: no assertion criteria provided. Collection method: clinical testing. Allele origin: unknown. Affected: yes. Observed: 1 variant allele. Study: The Canadian Open Genetics Repository (COGR). Not counted in ClinVar's aggregate classification.
Comment: The POLD1 c.2155-8C>T variant was not identified in the literature. The variant was identified in dbSNP (ID: rs759802920) as "With Likely benign allele", and in ClinVar (classified as likely benign by Invitae, GeneDx, Counsyl and one clinical laboratory). The variant was identified in control databases in 14 of 274144 chromosomes at a frequency of 0.00005 (Genome Aggregation Database Feb 27, 2017). The variant was observed in the African population in 14 of 23782 chromosomes (freq: 0.0006), while the variant was not observed in the Other, Latino, European, Ashkenazi Jewish, East Asian, Finnish, and South Asian populations. The c.2155-8C>T variant is located in the 3' splice region but does not affect the invariant -1 and -2 positions. However, positions -3 and -5 to -12 are part of the splicing consensus sequence and variants involving these positions sometimes affect splicing. However, in silico or computational prediction software programs (SpliceSiteFinder, MaxEntScan, NNSPLICE, GeneSplicer) do not predict a difference in splicing. In summary, based on the above information the clinical significance of this variant cannot be determined with certainty at this time although we would lean towards a more benign role for this variant. This variant is classified as likely benign.